The following is an entry in ClinVar:

NM_001079872.2(CUL4B):c.1791G>T (p.Leu597=)

Gene: CUL4B (cullin 4B; minus strand). Cytogenetic location: Xq24.
Variant type: single nucleotide variant.
Coding change: c.1791G>T on transcript NM_001079872.2 (MANE Select); coding-DNA position 1791, G replaced by T.
Protein change: p.Leu597=; no amino-acid change (leucine 597 retained).
Molecular consequence: synonymous variant.
Genome position (GRCh38, 1-based): chrX:120,538,721, C>A on the plus strand (G>T on the coding strand, the complement: CUL4B is on the minus strand). VCF-style: chrX-120538721-C-A. GRCh37 (hg19) VCF-style: chrX-119672576-C-A.
Other names: c.1806G>T, p.Leu602= (NM_001330624.2); c.1257G>T, p.Leu419= (NM_001369145.1); c.1845G>T, p.Leu615= (NM_003588.4).
Identifiers: ClinVar variation 3054270 (VCV003054270.2), dbSNP rs2521090083, ClinGen allele CA518224224.

ClinVar aggregate classification (germline): Likely benign (0 of 4 stars; one submission).

Conditions:
CUL4B-related disorder. Also called: CUL4B-related condition.

Submission:

PreventionGenetics, part of Exact Sciences
Classification: Likely benign for CUL4B-related condition. Last evaluated: 2022-02-26. Review status: no assertion criteria provided. Collection method: clinical testing. Allele origin: germline.
Comment: This variant is classified as likely benign based on ACMG/AMP sequence variant interpretation guidelines (Richards et al. 2015 PMID: 25741868, with internal and published modifications).